The following is an entry in ClinVar:

ClinVar aggregate classification (germline): Pathogenic (1 of 4 stars; one submission).

Allele frequency attached by ClinVar (database versions not stated): ExAC 0.00001; gnomAD 0.00001.

Submission:

Labcorp Genetics (formerly Invitae), Labcorp
Classification: Pathogenic. Last evaluated: 2024-03-19. Review status: criteria provided, single submitter. Criteria: Invitae Variant Classification Sherloc (09022015). Collection method: clinical testing. Allele origin: germline.
Comment: This sequence change replaces leucine, which is neutral and non-polar, with arginine, which is basic and polar, at codon 165 of the APOA1 protein (p.Leu165Arg). This variant is present in population databases (rs779081481, gnomAD 0.0009%). This missense change has been observed in individual(s) with APOA1 deficiency (PMID: 8840853). In at least one individual the data is consistent with being in trans (on the opposite chromosome) from a pathogenic variant. It has also been observed to segregate with disease in related individuals. This variant is also known as (L141R) Pisa. Advanced modeling of protein sequence and biophysical properties (such as structural, functional, and spatial information, amino acid conservation, physicochemical variation, residue mobility, and thermodynamic stability) performed at Invitae indicates that this missense variant is expected to disrupt APOA1 protein function with a positive predictive value of 80%. Experimental studies have shown that this missense change affects APOA1 function (PMID: 26363436). For these reasons, this variant has been classified as Pathogenic.

Literature cited by the submitters: PubMed 8840853; PubMed 26363436.

NM_000039.3(APOA1):c.494T>G (p.Leu165Arg)

Genes: APOA1 (apolipoprotein A1; minus strand), APOA1-AS (APOA1 antisense RNA; plus strand). Cytogenetic location: 11q23.3.
Variant type: single nucleotide variant.
Coding change: c.494T>G on transcript NM_000039.3 (MANE Select); coding-DNA position 494, T replaced by G.
Protein change: p.Leu165Arg; replaces leucine 165 with arginine.
Molecular consequence: missense variant. On other transcripts: non-coding transcript variant (1).
Genome position (GRCh38, 1-based): chr11:116,836,118, A>C on the plus strand (T>G on the coding strand, the complement: APOA1 is on the minus strand). VCF-style: chr11-116836118-A-C. GRCh37 (hg19) VCF-style: chr11-116706834-A-C.
Other names: c.494T>G, p.Leu165Arg (NM_001318017.2, NM_001318018.2, NM_001425090.1); c.167T>G, p.Leu56Arg (NM_001318021.2, NM_001425091.1, NM_001425092.1); c.449T>G, p.Leu150Arg (NM_001425093.1); short protein forms L150R, L56R, L165R.
Identifiers: ClinVar variation 2735760 (VCV002735760.3), dbSNP rs779081481, ClinGen allele CA6289796.
Genomic context (GRCh38, chr11:116,836,118, plus strand): 5'-GTGCGCAGCGCGTCCACATGGGCGCGCGCGCGGTCGCGCATCTCCTCGCCCAGTGGGCTC[A>C]GCTTCTCTTGCAGCTCGTGCAGCTTCTGGCGCGCGCCCTCTTGGAGCTCTGCGCGCAGCG-3'
Protein context (NP_000030.1, residues 155-175): RQKLHELQEK[Leu165Arg]SPLGEEMRDR